The following is an entry in ClinVar:

ClinVar aggregate classification (germline): Benign. Review status: criteria provided, multiple submitters, no conflicts (2 of 4 stars). 4 submissions from 4 submitters: Benign (4). Last evaluated 2021-07-22.

Conditions:
Familial infantile myasthenia (CMS6). Also called: MYASTHENIC SYNDROME, PRESYNAPTIC, CONGENITAL, ASSOCIATED WITH EPISODIC APNEA; MYASTHENIC SYNDROME, CONGENITAL, 6, PRESYNAPTIC; Congenital myasthenic syndrome type 6. Identifiers: Orphanet 590, MedGen C0393929, MONDO:0009689, OMIM 254210.

Allele frequency attached by ClinVar (database versions not stated): 1000 Genomes Project 0.44089; gnomAD 0.54734; 1000 Genomes Project 30x 0.42864; TOPMed 0.51366; ExAC 0.74457.
gnomAD v4.1: 1,106,237 of 1,545,460 alleles (72%); highest among the groups gnomAD compares: South Asian, 79%; 414,811 homozygotes.

Submissions (4):

Genome-Nilou Lab
Classification: Benign for Familial infantile myasthenia. Last evaluated: 2021-07-22. Review status: criteria provided, single submitter. Criteria: ACMG Guidelines, 2015. Collection method: clinical testing. Allele origin: germline. Affected: no.

GeneDx
Classification: Benign. Last evaluated: 2016-02-01. Review status: criteria provided, single submitter. Criteria: GeneDx Variant Classification (06012015). Collection method: clinical testing. Allele origin: germline. Affected: yes.
Comment: This variant is considered likely benign or benign based on one or more of the following criteria: it is a conservative change, it occurs at a poorly conserved position in the protein, it is predicted to be benign by multiple in silico algorithms, and/or has population frequency not consistent with disease.

Breakthrough Genomics
Classification: Benign. Review status: criteria provided, single submitter. Criteria: ACMG Guidelines, 2015. Collection method: not provided. Allele origin: germline. Inheritance: Autosomal recessive inheritance. Affected: yes.

PreventionGenetics, part of Exact Sciences
Classification: Benign. Review status: criteria provided, single submitter. Criteria: ACMG Guidelines, 2015. Collection method: clinical testing. Allele origin: germline.

NM_020549.5(CHAT):c.-44G>C

Gene: CHAT (choline O-acetyltransferase; plus strand). Cytogenetic location: 10q11.23.
Variant type: single nucleotide variant.
Coding change: c.-44G>C on transcript NM_020549.5 (MANE Select); 44 bases upstream of the start codon, G replaced by C.
Molecular consequence: 5 prime UTR variant. On other transcripts: intron variant (3).
Genome position (GRCh38, 1-based): chr10:49,614,146, G>C. VCF-style: chr10-49614146-G-C. GRCh37 (hg19) VCF-style: chr10-50822192-G-C.
Other names: c.-398G>C (NM_001142929.2); c.-360G>C (NM_001142933.2); c.-468G>C (NM_001142934.2); c.-68-2356G>C (NM_020984.4); c.-240-158G>C (NM_020985.4); c.-69+944G>C (NM_020986.4).
Identifiers: ClinVar variation 261325 (VCV000261325.6), dbSNP rs7903315, ClinGen allele CA5497014.
Genomic context (GRCh38, chr10:49,614,146, plus strand): 5'-CCCTTCTAGAGCCTAAATTTGTTGCCCGAGTTCCTCCGGGAAGCGCTCCGGGTAGATTCT[G>C]GGGGCCGGGAGCTGAGATCCCTGGGCGGGGAGCTGGGGAAGGGATGGGGCTGAGGACAGC-3'